The following is an entry in ClinVar:

NM_014423.4(AFF4):c.1226+10C>T

Gene: AFF4 (ALF transcription elongation factor 4; minus strand). Cytogenetic location: 5q31.1.
Variant type: single nucleotide variant.
Coding change: c.1226+10C>T on transcript NM_014423.4 (MANE Select); 10 bases into the intron after coding-DNA position 1226, C replaced by T.
Molecular consequence: intron variant.
Genome position (GRCh38, 1-based): chr5:132,899,094, G>A on the plus strand (C>T on the coding strand, the complement: AFF4 is on the minus strand). VCF-style: chr5-132899094-G-A. GRCh37 (hg19) VCF-style: chr5-132234786-G-A.
Identifiers: ClinVar variation 3350812 (VCV003350812.3).

ClinVar aggregate classification (germline): Likely benign. Review status: criteria provided, single submitter (1 of 4 stars). 2 submissions from 2 submitters: Likely benign (1). 1 of the submissions does not count toward it. Last evaluated 2025-10-16.

Conditions:
AFF4-related disorder. Also called: AFF4-related condition.
Cognitive impairment - coarse facies - heart defects - obesity - pulmonary involvement - short stature - skeletal dysplasia syndrome. Also called: AFF4-Related CHOPS Syndrome; COGNITIVE IMPAIRMENT, COARSE FACIES, HEART DEFECTS, OBESITY, PULMONARY INVOLVEMENT, SHORT STATURE, AND SKELETAL DYSPLASIA; Chops syndrome. Identifiers: Orphanet 444077, MedGen C4085597, MONDO:0014609, OMIM 616368.

gnomAD v4.1: 11 of 1,612,136 alleles (0.00068%); highest among the groups gnomAD compares: Admixed American, 0.01%; no homozygotes.

Submissions (2):

Labcorp Genetics (formerly Invitae), Labcorp
Classification: Likely benign for Cognitive impairment - coarse facies - heart defects - obesity - pulmonary involvement - short stature - skeletal dysplasia syndrome. Last evaluated: 2025-10-16. Review status: criteria provided, single submitter. Criteria: Invitae Variant Classification Sherloc (09022015). Collection method: clinical testing. Allele origin: germline.

PreventionGenetics, part of Exact Sciences
Classification: Likely benign for AFF4-related condition. Last evaluated: 2024-06-21. Review status: no assertion criteria provided. Collection method: clinical testing. Allele origin: germline. Not counted in ClinVar's aggregate classification.
Comment: This variant is classified as likely benign based on ACMG/AMP sequence variant interpretation guidelines (Richards et al. 2015 PMID: 25741868, with internal and published modifications).